The following is an entry in ClinVar:

ClinVar aggregate classification (germline): Uncertain significance. Review status: criteria provided, multiple submitters, no conflicts (2 of 4 stars). 2 submissions from 2 submitters: Uncertain significance (2). Last evaluated 2026-07-02.

Conditions:
Hypercholesterolemia, autosomal dominant, type B (FHCL2). Also called: Familial hypercholesterolemia 2; Familial Hypercholesterolemia Type B; Hyperlipoproteinemia Type IIb; APOB-Related Familial Hypercholesterolemia, Autosomal Dominant; APOLIPOPROTEIN B-100, FAMILIAL DEFECTIVE; APOLIPOPROTEIN B-100, FAMILIAL LIGAND-DEFECTIVE. Identifiers: MedGen C1704417, MONDO:0007751, OMIM 144010.
Familial hypobetalipoproteinemia 1. Also called: Hypobetalipoproteinemia, normotriglyceridemic; Acanthocytosis with hypobetalipoproteinemia; APOB-Related Familial Hypobetalipoproteinemia. Identifiers: MedGen C4551990, MONDO:0014252, OMIM 615558.
Cardiovascular phenotype. Identifiers: MedGen CN230736.

Allele frequency attached by ClinVar (database versions not stated): gnomAD exomes below 0.00001.
gnomAD v4.1: 2 of 1,614,224 alleles (0.00012%); no homozygotes.

Submissions (2):

Ambry Genetics
Classification: Uncertain significance for Cardiovascular phenotype. Last evaluated: 2026-07-02. Review status: criteria provided, single submitter. Criteria: Ambry Variant Classification Scheme 2023. Collection method: clinical testing. Allele origin: germline.
Comment: The p.N1365S variant (also known as c.4094A>G), located in coding exon 25 of the APOB gene, results from an A to G substitution at nucleotide position 4094. The asparagine at codon 1365 is replaced by serine, an amino acid with highly similar properties. This amino acid position is conserved. In addition, this alteration is predicted to be tolerated by in silico analysis. Based on the available evidence, the clinical significance of this variant remains unclear.

Labcorp Genetics (formerly Invitae), Labcorp
Classification: Uncertain significance for Familial hypobetalipoproteinemia 1; Hypercholesterolemia, autosomal dominant, type B. Last evaluated: 2020-06-01. Review status: criteria provided, single submitter. Criteria: Invitae Variant Classification Sherloc (09022015). Collection method: clinical testing. Allele origin: germline.
Comment: This sequence change replaces asparagine with serine at codon 1365 of the APOB protein (p.Asn1365Ser). The asparagine residue is highly conserved and there is a small physicochemical difference between asparagine and serine. In summary, the available evidence is currently insufficient to determine the role of this variant in disease. Therefore, it has been classified as a Variant of Uncertain Significance. Algorithms developed to predict the effect of sequence changes on RNA splicing suggest that this variant may create or strengthen a splice site, but this prediction has not been confirmed by published transcriptional studies. Algorithms developed to predict the effect of missense changes on protein structure and function are either unavailable or do not agree on the potential impact of this missense change (SIFT: "Deleterious"; PolyPhen-2: "Probably Damaging"; Align-GVGD: "Class C0"). This variant has not been reported in the literature in individuals with APOB-related conditions. This variant is not present in population databases (ExAC no frequency).

NM_000384.3(APOB):c.4094A>G (p.Asn1365Ser)

Gene: APOB (apolipoprotein B; minus strand). Cytogenetic location: 2p24.1.
Variant type: single nucleotide variant.
Coding change: c.4094A>G on transcript NM_000384.3 (MANE Select); coding-DNA position 4094, A replaced by G.
Protein change: p.Asn1365Ser; replaces asparagine 1365 with serine.
Molecular consequence: missense variant.
Genome position (GRCh38, 1-based): chr2:21,013,282, T>C on the plus strand (A>G on the coding strand, the complement: APOB is on the minus strand). VCF-style: chr2-21013282-T-C. GRCh37 (hg19) VCF-style: chr2-21236154-T-C.
Other names: c.4094A>G (NM_000384.2); short protein forms N1365S.
Identifiers: ClinVar variation 1013670 (VCV001013670.12), dbSNP rs1349004240, ClinGen allele CA346007637.